The following is an entry in ClinVar:

NM_001080414.4(CCDC88C):c.1993G>C (p.Glu665Gln)

Gene: CCDC88C (coiled-coil domain containing 88C; minus strand). Cytogenetic location: 14q32.11.
Variant type: single nucleotide variant.
Coding change: c.1993G>C on transcript NM_001080414.4 (MANE Select); coding-DNA position 1993, G replaced by C.
Protein change: p.Glu665Gln; replaces glutamic acid 665 with glutamine.
Molecular consequence: missense variant.
Genome position (GRCh38, 1-based): chr14:91,313,823, C>G on the plus strand (G>C on the coding strand, the complement: CCDC88C is on the minus strand). VCF-style: chr14-91313823-C-G. GRCh37 (hg19) VCF-style: chr14-91780167-C-G.
Other names: short protein forms E665Q.
Identifiers: ClinVar variation 2228698 (VCV002228698.2), dbSNP rs956104232, ClinGen allele CA265570292.

ClinVar aggregate classification (germline): Uncertain significance (1 of 4 stars; one submission).

Conditions:
Inborn genetic diseases. Identifiers: MedGen C0950123, MeSH D030342.

Allele frequency attached by ClinVar (database versions not stated): TOPMed below 0.00001.
gnomAD v4.1: 3 of 1,604,408 alleles (0.00019%); highest among the groups gnomAD compares: Middle Eastern, 0.017%; no homozygotes.

Submission:

Ambry Genetics
Classification: Uncertain significance for Inborn genetic diseases. Last evaluated: 2021-01-11. Review status: criteria provided, single submitter. Criteria: Ambry Variant Classification Scheme 2023. Collection method: clinical testing. Allele origin: germline.
Comment: The c.1993G>C (p.E665Q) alteration is located in exon 15 (coding exon 15) of the CCDC88C gene. This alteration results from a G to C substitution at nucleotide position 1993, causing the glutamic acid (E) at amino acid position 665 to be replaced by a glutamine (Q). The p.E665Q alteration is predicted to be tolerated by in silico analysis. Based on insufficient or conflicting evidence, the clinical significance of this alteration remains unclear.